The following is an entry in ClinVar:

NC_000015.9:g.(?_48766715)_(48766857_?)del

Gene: FBN1 (fibrillin 1; minus strand). Cytogenetic location: 15q21.1.
Variant type: Deletion.
Identifiers: ClinVar variation 1073595 (VCV001073595.7).

ClinVar aggregate classification (germline): Pathogenic (1 of 4 stars; one submission).

Conditions:
Familial thoracic aortic aneurysm and aortic dissection (TAAD). Also called: Thoracic aortic aneurysms and dissections. Identifiers: Orphanet 91387, MedGen C4707243, MONDO:0019625.
Marfan syndrome (MFS). Also called: Marfan syndrome type 1; Marfan's syndrome; Marfan syndrome, classic; MARFAN SYNDROME, TYPE I; FBN1-Related Marfan Syndrome. Identifiers: Orphanet 284963, Orphanet 558, MedGen C0024796, MONDO:0007947, OMIM 154700.

Submission:

Labcorp Genetics (formerly Invitae), Labcorp
Classification: Pathogenic for Marfan syndrome; Familial thoracic aortic aneurysm and aortic dissection. Last evaluated: 2020-02-28. Review status: criteria provided, single submitter. Criteria: Invitae Variant Classification Sherloc (09022015). Collection method: clinical testing. Allele origin: germline.
Comment: This variant is an in-frame deletion of the genomic region encompassing exon 33 of the FBN1 gene. It preserves the integrity of the reading frame. This variant affects cysteine residues in the EGF-like, TGFBP or hybrid motif domains of FBN1. Cysteine residues are believed to be involved in intramolecular disulfide bridges and have been shown to be important for FBN1 protein structure (PMID: 16905551, 19349279). In addition, missense substitutions affecting cysteine residues within these domains are significantly overrepresented among patients with Marfan syndrome (PMID: 16571647, 17701892). For these reasons, this variant has been classified as Pathogenic. Similar deletion of exon 33 has been observed in individual(s) with Marfan syndrome (PMID: 18412115).

Literature cited by the submitters: PubMed 16905551; PubMed 19349279; PubMed 16571647; PubMed 17701892; PubMed 18412115.